The following is an entry in ClinVar:

NM_001130009.3(GEN1):c.1071+1G>T

Gene: GEN1 (GEN1 structure-specific endonuclease; plus strand). Cytogenetic location: 2p24.2.
Variant type: single nucleotide variant.
Coding change: c.1071+1G>T on transcript NM_001130009.3 (MANE Select); the canonical splice donor site of the intron after coding-DNA position 1071, G replaced by T.
Molecular consequence: splice donor variant.
Genome position (GRCh38, 1-based): chr2:17,773,300, G>T. VCF-style: chr2-17773300-G-T. GRCh37 (hg19) VCF-style: chr2-17954567-G-T.
Other names: c.1071+1G>T (NM_182625.5).
Identifiers: ClinVar variation 1979922 (VCV001979922.5), dbSNP rs1023467720, ClinGen allele CA43351679.

ClinVar aggregate classification (germline): Uncertain significance (1 of 4 stars; one submission).

Allele frequency attached by ClinVar (database versions not stated): TOPMed below 0.00001; gnomAD 0.00001.
gnomAD v4.1: 3 of 1,546,748 alleles (0.00019%); highest among the groups gnomAD compares: Middle Eastern, 0.022%; no homozygotes.

Submissions (2):

Labcorp Genetics (formerly Invitae), Labcorp
Classification: Uncertain significance. Last evaluated: 2024-03-04. Review status: criteria provided, single submitter. Criteria: Invitae Variant Classification Sherloc (09022015). Collection method: clinical testing. Allele origin: germline.
Comment: This sequence change affects a donor splice site in intron 10 of the GEN1 gene. It is expected to disrupt RNA splicing. Variants that disrupt the donor or acceptor splice site typically lead to a loss of protein function (PMID: 16199547), however the current clinical and genetic evidence is not sufficient to establish whether loss-of-function variants in GEN1 cause disease. This variant is present in population databases (no rsID available, gnomAD 0.009%). This variant has not been reported in the literature in individuals affected with GEN1-related conditions. ClinVar contains an entry for this variant (Variation ID: 1979922). Algorithms developed to predict the effect of sequence changes on RNA splicing suggest that this variant may disrupt the consensus splice site. In summary, the available evidence is currently insufficient to determine the role of this variant in disease. Therefore, it has been classified as a Variant of Uncertain Significance.

Dr. Peter K. Rogan Lab, Western University
No classification provided (evidence only). Condition: Thyroid cancer, nonmedullary, 1. Review status: no classification provided. Collection method: in vitro. Allele origin: not applicable. Functional consequence: retained intron. Not counted in ClinVar's aggregate classification.

Literature cited by the submitters: PubMed 16199547 (cited by Labcorp Genetics (formerly Invitae), Labcorp).